The following is an entry in ClinVar:

NM_012086.5(GTF3C3):c.2069+10C>T

Gene: GTF3C3 (general transcription factor IIIC subunit 3; minus strand). Cytogenetic location: 2q33.1.
Variant type: single nucleotide variant.
Coding change: c.2069+10C>T on transcript NM_012086.5 (MANE Select); 10 bases into the intron after coding-DNA position 2069, C replaced by T.
Molecular consequence: intron variant.
Genome position (GRCh38, 1-based): chr2:196,772,906, G>A on the plus strand (C>T on the coding strand, the complement: GTF3C3 is on the minus strand). VCF-style: chr2-196772906-G-A. GRCh37 (hg19) VCF-style: chr2-197637630-G-A.
Identifiers: ClinVar variation 3038834 (VCV003038834.2), dbSNP rs375759341, ClinGen allele CA2039930.

ClinVar aggregate classification (germline): Likely benign (0 of 4 stars; one submission).

Conditions:
GTF3C3-related disorder. Also called: GTF3C3-related condition.

Allele frequency attached by ClinVar (database versions not stated): ExAC 0.00016; gnomAD 0.00053; TOPMed 0.00059; ESP Exome Variant Server 0.00092.
gnomAD v4.1: 130 of 1,260,364 alleles (0.01%); highest among the groups gnomAD compares: African/African-American, 0.19%; no homozygotes.

Submission:

PreventionGenetics, part of Exact Sciences
Classification: Likely benign for GTF3C3-related condition. Last evaluated: 2019-05-21. Review status: no assertion criteria provided. Collection method: clinical testing. Allele origin: germline.
Comment: This variant is classified as likely benign based on ACMG/AMP sequence variant interpretation guidelines (Richards et al. 2015 PMID: 25741868, with internal and published modifications).